The following continues an entry in ClinVar:

NM_001377265.1(MAPT):c.2091+16C>T

Gene: MAPT. ClinVar aggregate classification (germline): Pathogenic. Pathogenic (16).

Submissions 10 to 18 of 18:

Molecular Genetics, Royal Melbourne Hospital
Classification: Pathogenic for Frontotemporal dementia. Last evaluated: 2022-04-05. Review status: criteria provided, single submitter. Criteria: ACMG Guidelines, 2015. Collection method: clinical testing. Allele origin: germline. Affected: yes.
Comment: This sequence change in MAPT is an intronic variant located in intron 10. This variant is absent from gnomAD v2.1 and v3.1. This variant is a common Welsh founder mutation and the most common variant in frontotemporal dementia (FTD) cases with British descent (PMID: 19365643). The variant has been reported to segregate with FTD in multiple families (PMID: 9641683). The results from multiple in silico splicing predictors (SpliceAI, MaxEntScan, NNSplice) indicate that this variant may not impact splicing of MAPT. However, RT-PCR and mini-gene assays demonstrated that the variant increases exon 10 RNA expression expected to result in a change in the ratio of tau isoforms of three amino-acid repeats to those of four amino-acid repeats (PMID: 9641683). A transgenic mouse model of the variant also recapitulates the human phenotype and demonstrates much higher levels of four-repeat tau and the adult stage (PMID: 23680655). Based on the classification scheme RMH Modified ACMG Guidelines v1.4.0, this variant is classified as PATHOGENIC. Following criteria are met: PS3, PS4, PP1_Strong, PM2_Supporting, BP4.

Blueprint Genetics
Classification: Pathogenic for MAPT-related disorders. Last evaluated: 2021-09-27. Review status: criteria provided, single submitter. Criteria: ACMG Guidelines, 2015. Collection method: clinical testing. Allele origin: germline. Affected: yes. Observed: 1 variant allele.

Victorian Clinical Genetics Services, Murdoch Childrens Research Institute
Classification: Pathogenic for Progressive supranuclear palsy-parkinsonism syndrome. Last evaluated: 2020-10-19. Review status: criteria provided, single submitter. Criteria: ACMG Guidelines, 2015. Collection method: clinical testing. Allele origin: germline. Inheritance: Autosomal dominant inheritance.
Comment: Based on the classification scheme VCGS_Germline_v1.3.3, this variant is classified as Pathogenic. Following criteria are met: 0103 - Loss of function and gain of function are known mechanisms of disease in this gene and are associated with frontotemporal dementia, with or without parkinsonism (MIM#600274), Pick disease (MIM#172700), progressive supranuclear palsy (MIM#601104). Loss of function results in the destabilization of microtubules and loss of tau-partner protein interaction. While gain of function is the increase in fibrillar and/or oligomeric aggregates and microtubules overstabilization (PMID: 26528178). (I) 0107 - This gene is associated with autosomal dominant disease. (I) 0217 - Non-coding variant with known effect. This variant affects the stability of the stem-loop structure within intron 11 resulting in aberrant splicing and increased incorporation of exon 11 (also known as exon 10 in the literature) of MAPT mRNA. The ratio of both isoforms is crucial for proper protein function (PMID: 10329720, 15950767). (SP) 0251 - This variant is heterozygous. (I) 0301 - Variant is absent from gnomAD (both v2 and v3). (SP) 0508 - In silico predictions for abnormal splicing are inconclusive. However, it is important to note that these tools are not optimized for variants beyond the splice region. (I) 0801 - This variant has strong previous evidence of pathogenicity in unrelated individuals. In an international retrospective study of frontotemporal dementia patients, this variant has been reported in 149 individuals from 48 families (PMID: 31810826). (SP) 1208 - Inheritance information for this variant is not currently available in this individual. (I) Legend: (SP) - Supporting pathogenic, (I) - Information, (SB) - Supporting benign

Institute of Human Genetics Munich, TUM University Hospital
Classification: Pathogenic for Frontotemporal dementia. Last evaluated: 2018-01-23. Review status: criteria provided, single submitter. Criteria: Classification criteria August 2017. Collection method: clinical testing. Allele origin: germline. Inheritance: Autosomal dominant inheritance. Affected: yes. Observed: 2 heterozygotes.

Athena Diagnostics
Classification: Pathogenic. Last evaluated: 2017-04-04. Review status: criteria provided, single submitter. Criteria: Athena Diagnostics Criteria. Collection method: clinical testing. Allele origin: germline.

Centre for Mendelian Genomics, University Medical Centre Ljubljana
Classification: Pathogenic for Dementia. Last evaluated: 2017-01-01. Review status: criteria provided, single submitter. Criteria: ACMG Guidelines, 2015. Collection method: clinical testing. Allele origin: unknown. Affected: yes.

Centre for Mendelian Genomics, University Medical Centre Ljubljana
Classification: Pathogenic for Frontotemporal dementia; Memory impairment; Mental deterioration. Last evaluated: 2017-01-01. Review status: criteria provided, single submitter. Criteria: ACMG Guidelines, 2015. Collection method: clinical testing. Allele origin: unknown. Affected: yes.

OMIM
Classification: Pathogenic for FRONTOTEMPORAL DEMENTIA 1. Last evaluated: 2009-10-01. Review status: no assertion criteria provided. Collection method: literature only. Allele origin: germline. Not counted in ClinVar's aggregate classification.

VIB  Department of Molecular Genetics, University of Antwerp
No classification provided. Review status: no classification provided. Collection method: not provided. Allele origin: not provided. Not counted in ClinVar's aggregate classification.

Literature cited by the submitters: PubMed 9641683 (cited by 4 submitters); PubMed 11708988 (cited by Labcorp Genetics (formerly Invitae), Labcorp and Athena Diagnostics); PubMed 11912108 (cited by 3 submitters); PubMed 11971081 (cited by 3 submitters); PubMed 17923640 (cited by 3 submitters); PubMed 19365643 (cited by 5 submitters); PubMed 19766248 (cited by Labcorp Genetics (formerly Invitae), Labcorp and Athena Diagnostics); PubMed 19786698 (cited by Labcorp Genetics (formerly Invitae), Labcorp and Athena Diagnostics); PubMed 20045477 (cited by Labcorp Genetics (formerly Invitae), Labcorp and Athena Diagnostics); PubMed 28097206 (cited by Labcorp Genetics (formerly Invitae), Labcorp); PubMed 10329720 (cited by Labcorp Genetics (formerly Invitae), Labcorp and Victorian Clinical Genetics Services, Murdoch Childrens Research Institute); PubMed 19914360 (cited by Labcorp Genetics (formerly Invitae), Labcorp and Athena Diagnostics); PubMed 23680655 (cited by 4 submitters); PubMed 26136155 (cited by Labcorp Genetics (formerly Invitae), Labcorp and Athena Diagnostics); PubMed 15950767 (cited by Victorian Clinical Genetics Services, Murdoch Childrens Research Institute); PubMed 31810826 (cited by Victorian Clinical Genetics Services, Murdoch Childrens Research Institute); PubMed 23727082 (cited by Victorian Clinical Genetics Services, Murdoch Childrens Research Institute); PubMed 26528178 (cited by Victorian Clinical Genetics Services, Murdoch Childrens Research Institute); PubMed 8940276 (cited by Athena Diagnostics); PubMed 10202939 (cited by Athena Diagnostics and OMIM); PubMed 10443890 (cited by Athena Diagnostics); PubMed 10446810 (cited by Athena Diagnostics); PubMed 11255441 (cited by Athena Diagnostics); PubMed 11971082 (cited by Athena Diagnostics and OMIM); PubMed 12847166 (cited by Athena Diagnostics); PubMed 15372253 (cited by Athena Diagnostics); PubMed 18525295 (cited by Athena Diagnostics); PubMed 19884572 (cited by Athena Diagnostics); PubMed 9392579 (cited by Athena Diagnostics); PubMed 9088499 (cited by Athena Diagnostics and OMIM); PubMed 7783864 (cited by Athena Diagnostics); PubMed 7936288 (cited by Athena Diagnostics and OMIM); PubMed 23885714 (cited by Athena Diagnostics); PubMed 27594586 (cited by Athena Diagnostics); PubMed 25683866 (cited by Athena Diagnostics); PubMed 11402146 (cited by OMIM); PubMed 14755449 (cited by OMIM); PubMed 11641718 (cited by OMIM).